The following is an entry in ClinVar:

ClinVar aggregate classification (germline): Conflicting classifications of pathogenicity. Review status: criteria provided, conflicting classifications (1 of 4 stars). 5 submissions from 5 submitters: Uncertain significance (1); Likely benign (4). Last evaluated 2026-08-01.

Conditions:
Cardiovascular phenotype. Identifiers: MedGen CN230736.
Duchenne muscular dystrophy (DMD). Also called: MUSCULAR DYSTROPHY, PSEUDOHYPERTROPHIC PROGRESSIVE, DUCHENNE TYPE; Duchenne Muscular Dystrophy (DMD). Identifiers: Orphanet 98896, MedGen C0013264, MONDO:0010679, OMIM 310200.

Allele frequency attached by ClinVar (database versions not stated): gnomAD exomes 0.00003 and 0.00002; gnomAD 0.00002; TOPMed 0.00002.

Submissions (5):

CeGaT Center for Human Genetics Tuebingen
Classification: Likely benign. Last evaluated: 2026-08-01. Review status: criteria provided, single submitter. Criteria: CeGaT Center For Human Genetics Tuebingen Variant Classification Criteria Version 2. Collection method: clinical testing. Allele origin: germline. Affected: yes. Observed: 1 variant allele.
Comment: DMD: BP4, BS2

Labcorp Genetics (formerly Invitae), Labcorp
Classification: Likely benign for Duchenne muscular dystrophy. Last evaluated: 2026-01-19. Review status: criteria provided, single submitter. Criteria: Invitae Variant Classification Sherloc (09022015). Collection method: clinical testing. Allele origin: germline.

Molecular Diagnostic Laboratory for Inherited Cardiovascular Disease, Montreal Heart Institute
Classification: Uncertain significance for Cardiovascular phenotype. Last evaluated: 2025-04-09. Review status: criteria provided, single submitter. Criteria: ACMG Guidelines, 2015. Collection method: clinical testing. Allele origin: germline. Affected: yes.

Ambry Genetics
Classification: Likely benign for Cardiovascular phenotype. Last evaluated: 2022-08-04. Review status: criteria provided, single submitter. Criteria: Ambry Variant Classification Scheme 2023. Collection method: clinical testing. Allele origin: germline.

GeneDx
Classification: Likely benign. Last evaluated: 2014-08-26. Review status: criteria provided, single submitter. Criteria: GeneDx Variant Classification (06012015). Collection method: clinical testing. Allele origin: germline. Affected: yes.
Comment: This variant is considered likely benign or benign based on one or more of the following criteria: it is a conservative change, it occurs at a poorly conserved position in the protein, it is predicted to be benign by multiple in silico algorithms, and/or has population frequency not consistent with disease.

NM_004006.3(DMD):c.2848G>A (p.Ala950Thr)

Gene: DMD (dystrophin; minus strand). Cytogenetic location: Xp21.1.
Variant type: single nucleotide variant.
Coding change: c.2848G>A on transcript NM_004006.3 (MANE Select); coding-DNA position 2848, G replaced by A.
Protein change: p.Ala950Thr; replaces alanine 950 with threonine.
Molecular consequence: missense variant.
Genome position (GRCh38, 1-based): chrX:32,472,265, C>T on the plus strand (G>A on the coding strand, the complement: DMD is on the minus strand). VCF-style: chrX-32472265-C-T. GRCh37 (hg19) VCF-style: chrX-32490382-C-T.
Other names: p.A950T:GCC>ACC; c.2824G>A, p.Ala942Thr (NM_000109.4); c.2836G>A, p.Ala946Thr (NM_004009.3); c.2479G>A, p.Ala827Thr (NM_004010.3); short protein forms A950T, A946T, A942T, A827T.
Identifiers: ClinVar variation 201732 (VCV000201732.13), dbSNP rs794728997, ClinGen allele CA308346.